The following is an entry in ClinVar:

ClinVar aggregate classification (germline): Pathogenic. Review status: criteria provided, multiple submitters, no conflicts (2 of 4 stars). 8 submissions from 8 submitters: Pathogenic (8). Last evaluated 2026-03-20.

Conditions:
DICER1-related disorder. Also called: DICER1-related condition.
DICER1-related tumor predisposition. Also called: DICER1 syndrome; DICER1-related pleuropulmonary blastoma cancer predisposition syndrome. Identifiers: Orphanet 284343, MedGen C3839822, MONDO:0100216.
Hereditary cancer-predisposing syndrome. Also called: Neoplastic Syndromes, Hereditary; Hereditary neoplastic syndrome; Hereditary Cancer Syndrome; Tumor predisposition. Identifiers: Orphanet 140162, MedGen C0027672, MeSH D009386, MONDO:0015356.
Pleuropulmonary blastoma (PPB). Identifiers: Orphanet 64742, MedGen C1266144, MONDO:0011014, OMIM 601200, HP:0100528.

Submissions (8):

Myriad Genetics, Inc.
Classification: Pathogenic for DICER1-related tumor predisposition. Last evaluated: 2026-03-20. Review status: criteria provided, single submitter. Criteria: Myriad Autosomal Dominant, Autosomal Recessive and X-Linked Classification Criteria (2023). Collection method: clinical testing. Allele origin: unknown.
Comment: This variant is considered pathogenic. This variant creates a frameshift predicted to result in premature protein truncation.

Unidad de Genómica Garrahan, Hospital de Pediatría Garrahan
Classification: Pathogenic for DICER1-related tumor predisposition. Last evaluated: 2025-12-01. Review status: criteria provided, single submitter. Criteria: Hatton et al. (Hum Mutat. 2023). Collection method: clinical testing. Allele origin: germline. Affected: yes.
Comment: Based on the available evidence and following the ClinGen DICER1 and miRNA-Processing Gene Expert Panel Specifications to the ACMG/AMP Variant Interpretation Guidelines for DICER1 (PMID: 38084291) this alteration is classified as pathogenic. Is a frameshift variant predicted to result in protein truncation in a gene for which loss-of-function is a known mechanism of disease (PVS1_very strong). The variant is not reported in population-based cohorts in the Genome Aggregation Database (gnomAD) (PM2_Supporting). The variant was classified as de novo after ruling out its presence in both parents (assumed paternity) (PS2_supporting).

Genomic Medicine Center of Excellence, King Faisal Specialist Hospital and Research Centre
Classification: Pathogenic for Pleuropulmonary blastoma. Last evaluated: 2025-09-10. Review status: criteria provided, single submitter. Criteria: ACMG Guidelines, 2015. Collection method: clinical testing. Allele origin: germline.

Ambry Genetics
Classification: Pathogenic for Hereditary cancer-predisposing syndrome. Last evaluated: 2025-08-19. Review status: criteria provided, single submitter. Criteria: Ambry Variant Classification Scheme 2023. Collection method: clinical testing. Allele origin: germline.
Comment: The c.4309_4312delGACT pathogenic mutation, located in coding exon 22 of the DICER1 gene, results from a deletion of 4 nucleotides at nucleotide positions 4309 to 4312, causing a translational frameshift with a predicted alternate stop codon (p.D1437Mfs*16). This variant was reported in individual(s) with features consistent with DICER1-related tumor predisposition syndrome (Bahubeshi A et al. J Med Genet, 2010 Dec;47:863-6; Doros L et al. Pediatr Blood Cancer, 2012 Sep;59:558-60; de Kock L et al. Acta Neuropathol, 2014 Jul;128:111-22; Khan NE et al. Pediatr Nephrol, 2018 Dec;33:2281-2288). This alteration is expected to result in loss of function by premature protein truncation or nonsense-mediated mRNA decay. As such, this alteration is interpreted as a disease-causing mutation.

PreventionGenetics, part of Exact Sciences
Classification: Pathogenic for DICER1-related condition. Last evaluated: 2025-07-15. Review status: criteria provided, single submitter. Criteria: ACMG Guidelines, 2015. Collection method: clinical testing. Allele origin: germline.
Comment: The DICER1 c.4309_4312delGACT variant is predicted to result in a frameshift and premature protein termination (p.Asp1437Metfs*16). This variant was reported in multiple individuals with tumors consistent with DICER1-syndrome (Bahubeshi et al. 2010. PubMed ID: 21036787, Family K; Doros et al. 2011. PubMed ID: 22180160, Table 1, Case fERMS1; de Kock et al. 2014. PubMed ID: 24839956, Table 1, Case 6; Khan et al. 2018. PubMed ID: 30178239, Table S2, ID 38-01-002). In one of these families, this variant was also present in two unaffected individuals (Bahubeshi et al. 2010. PubMed ID: 21036787, Family K). This variant has not been reported in a large population database (gnomAD), indicating this variant is rare. It is interpreted as pathogenic in ClinVar. Frameshift variants in DICER1 are expected to be pathogenic. This variant is interpreted as pathogenic.

Labcorp Genetics (formerly Invitae), Labcorp
Classification: Pathogenic for DICER1-related tumor predisposition. Last evaluated: 2022-10-05. Review status: criteria provided, single submitter. Criteria: Invitae Variant Classification Sherloc (09022015). Collection method: clinical testing. Allele origin: germline.
Comment: This sequence change creates a premature translational stop signal (p.Asp1437Metfs*16) in the DICER1 gene. It is expected to result in an absent or disrupted protein product. Loss-of-function variants in DICER1 are known to be pathogenic (PMID: 19556464, 21266384). This variant is not present in population databases (gnomAD no frequency). This premature translational stop signal has been observed in individuals with cystic nephroma and pleuropulmonary blastoma, pituitary blastoma, and embryonal rhabdomyosarcoma (PMID: 21036787, 22180160, 24839956, 26925222). It has also been observed to segregate with disease in related individuals. ClinVar contains an entry for this variant (Variation ID: 254332). For these reasons, this variant has been classified as Pathogenic.

Foulkes Cancer Genetics LDI, Lady Davis Institute for Medical Research
Classification: Pathogenic for Pleuropulmonary blastoma. Last evaluated: 2019-07-01. Review status: criteria provided, single submitter. Criteria: ACMG Guidelines, 2015. Collection method: curation. Allele origin: germline. Affected: yes and no. Observed: 10 variant alleles.
Comment: ACMG criteria met: PVS1, PM2, PP1, PP4

International Pleuropulmonary Blastoma Registry, Children's Hospitals and Clinics of Minnesota
Classification: Pathogenic for Pleuropulmonary blastoma. Last evaluated: 2014-11-10. Review status: criteria provided, single submitter. Criteria: Hill et al. (Science. 2009). Collection method: clinical testing. Allele origin: germline. Affected: yes. Study: PPB-DICER1 Genetic study.

Literature cited by the submitters: PubMed 24839956 (cited by 4 submitters); PubMed 21036787 (cited by 4 submitters); PubMed 22180160 (cited by 4 submitters); PubMed 26925222 (cited by 4 submitters); PubMed 30178239 (cited by Ambry Genetics and Foulkes Cancer Genetics LDI, Lady Davis Institute for Medical Research); PubMed 19556464 (cited by Labcorp Genetics (formerly Invitae), Labcorp); PubMed 21266384 (cited by Labcorp Genetics (formerly Invitae), Labcorp).

NM_177438.3(DICER1):c.4309_4312del (p.Asp1437fs)

Gene: DICER1 (dicer 1, ribonuclease III; minus strand). Cytogenetic location: 14q32.13.
Variant type: Deletion.
Coding change: c.4309_4312del on transcript NM_177438.3 (MANE Select); coding-DNA positions 4309 to 4312, 4 bases deleted (GACT; older notation c.4309_4312delGACT).
Protein change: p.Asp1437fs; shifts the reading frame from aspartic acid 1437.
Molecular consequence: frameshift variant.
Genome position (GRCh38, 1-based): chr14:95,096,608-95,096,611, AGTC deleted on the plus strand (GACT on the coding strand, the reverse complement: DICER1 is on the minus strand); deleting any 4 consecutive bases within chr14:95,096,608-95,096,613 gives the same sequence; the c. name uses the placement nearest the transcript's 3' end. VCF-style (leftmost placement, unchanged base first): chr14-95096607-TAGTC-T. GRCh37 (hg19) VCF-style: chr14-95562944-TAGTC-T.
Other names: p.(Asp1437Metfs*16); c.4309_4312delGACT (NM_030621.4, NM_177438.2); c.4309_4312del, p.Asp1437fs (NM_001195573.1, NM_001271282.3, NM_001291628.2 and 1 more transcripts); short protein forms D1437fs.
Identifiers: ClinVar variation 254332 (VCV000254332.22), dbSNP rs886037712, ClinGen allele CA10586418.